The following is an entry in ClinVar:

ClinVar aggregate classification (germline): Uncertain significance (1 of 4 stars; one submission).

Submission:

GeneDx
Classification: Uncertain significance. Last evaluated: 2023-12-27. Review status: criteria provided, single submitter. Criteria: GeneDx Variant Classification Process June 2021. Collection method: clinical testing. Allele origin: germline. Affected: yes.
Comment: Not observed at significant frequency in large population cohorts (gnomAD); In silico analysis supports that this missense variant has a deleterious effect on protein structure/function; Has not been previously published as pathogenic or benign to our knowledge

NM_015335.5(MED13L):c.2206G>A (p.Gly736Arg)

Gene: MED13L (mediator complex subunit 13L; minus strand). Cytogenetic location: 12q24.21.
Variant type: single nucleotide variant.
Coding change: c.2206G>A on transcript NM_015335.5 (MANE Select); coding-DNA position 2206, G replaced by A.
Protein change: p.Gly736Arg; replaces glycine 736 with arginine.
Molecular consequence: missense variant.
Genome position (GRCh38, 1-based): chr12:116,007,443, C>T on the plus strand (G>A on the coding strand, the complement: MED13L is on the minus strand). VCF-style: chr12-116007443-C-T. GRCh37 (hg19) VCF-style: chr12-116445248-C-T.
Other names: short protein forms G736R.
Identifiers: ClinVar variation 3367330 (VCV003367330.1).